The following is an entry in ClinVar:

NM_003396.3(WNT9B):c.4C>A (p.Arg2Ser)

Genes: LRRC37A2 (leucine rich repeat containing 37 member A2), WNT9B (Wnt family member 9B; plus strand). Cytogenetic location: 17q21.32.
Variant type: single nucleotide variant.
Coding change: c.4C>A on transcript NM_003396.3 (MANE Select); coding-DNA position 4, C replaced by A.
Protein change: p.Arg2Ser; replaces arginine 2 with serine.
Molecular consequence: missense variant.
Genome position (GRCh38, 1-based): chr17:46,851,642, C>A. VCF-style: chr17-46851642-C-A. GRCh37 (hg19) VCF-style: chr17-44929008-C-A.
Other names: c.4C>A, p.Arg2Ser (NM_001320458.2); short protein forms R2S.
Identifiers: ClinVar variation 2815127 (VCV002815127.3), dbSNP rs770723480, ClinGen allele CA400013395.
Genomic context (GRCh38, chr17:46,851,642, plus strand): 5'-GAGCTGCGAGCTTGAGCGGCGCGAGGAGATGCTAGAGGGCGCAGCGCCGCCAGCACCATG[C>A]GCCCCCCGCCCGCGCTGGCCCTGGCCGGGCTCTGCCTGCTGGCGCTGCCCGCCGCCGCCG-3'
Protein context (NP_003387.1, residues 1-12): M[Arg2Ser]PPPALALAGL

ClinVar aggregate classification (germline): Uncertain significance (1 of 4 stars; one submission).

Submission:

Labcorp Genetics (formerly Invitae), Labcorp
Classification: Uncertain significance. Last evaluated: 2022-11-19. Review status: criteria provided, single submitter. Criteria: Invitae Variant Classification Sherloc (09022015). Collection method: clinical testing. Allele origin: germline.
Comment: This sequence change replaces arginine, which is basic and polar, with serine, which is neutral and polar, at codon 2 of the WNT9B protein (p.Arg2Ser). This variant is not present in population databases (gnomAD no frequency). This variant has not been reported in the literature in individuals affected with WNT9B-related conditions. Experimental studies and prediction algorithms are not available or were not evaluated, and the functional significance of this variant is currently unknown. In summary, the available evidence is currently insufficient to determine the role of this variant in disease. Therefore, it has been classified as a Variant of Uncertain Significance.